The following is an entry in ClinVar:

NM_001378454.1(ALMS1):c.8593G>T (p.Val2865Leu)

Gene: ALMS1 (ALMS1 centrosome and basal body associated protein; plus strand). Cytogenetic location: 2p13.1.
Variant type: single nucleotide variant.
Coding change: c.8593G>T on transcript NM_001378454.1 (MANE Select); coding-DNA position 8593, G replaced by T.
Protein change: p.Val2865Leu; replaces valine 2865 with leucine.
Molecular consequence: missense variant.
Genome position (GRCh38, 1-based): chr2:73,490,552, G>T. VCF-style: chr2-73490552-G-T. GRCh37 (hg19) VCF-style: chr2-73717679-G-T.
Other names: c.8596G>T, p.Val2866Leu (NM_015120.4); short protein forms V2865L, V2866L.
Identifiers: ClinVar variation 1714220 (VCV001714220.5), dbSNP rs780429128, ClinGen allele CA347269563.

ClinVar aggregate classification (germline): Uncertain significance (1 of 4 stars; one submission).

Conditions:
Alstrom syndrome (ALMS). Identifiers: Orphanet 64, MedGen C0268425, MONDO:0008763, OMIM 203800.

Submission:

Labcorp Genetics (formerly Invitae), Labcorp
Classification: Uncertain significance for Alstrom syndrome. Last evaluated: 2022-08-07. Review status: criteria provided, single submitter. Criteria: Invitae Variant Classification Sherloc (09022015). Collection method: clinical testing. Allele origin: germline.
Comment: In summary, the available evidence is currently insufficient to determine the role of this variant in disease. Therefore, it has been classified as a Variant of Uncertain Significance. Experimental studies and prediction algorithms are not available or were not evaluated, and the functional significance of this variant is currently unknown. This variant has not been reported in the literature in individuals affected with ALMS1-related conditions. This variant is not present in population databases (gnomAD no frequency). This sequence change replaces valine, which is neutral and non-polar, with leucine, which is neutral and non-polar, at codon 2866 of the ALMS1 protein (p.Val2866Leu).